The following is an entry in ClinVar:

NM_007254.4(PNKP):c.579G>A (p.Arg193=)

Gene: PNKP (polynucleotide kinase 3'-phosphatase; minus strand). Cytogenetic location: 19q13.33.
Variant type: single nucleotide variant.
Coding change: c.579G>A on transcript NM_007254.4 (MANE Select); coding-DNA position 579, G replaced by A.
Protein change: p.Arg193=; no amino-acid change (arginine 193 retained).
Molecular consequence: synonymous variant.
Genome position (GRCh38, 1-based): chr19:49,864,236, C>T on the plus strand (G>A on the coding strand, the complement: PNKP is on the minus strand). VCF-style: chr19-49864236-C-T. GRCh37 (hg19) VCF-style: chr19-50367493-C-T.
Other names: p.R193R:AGG>AGA; p.Arg193=.
Identifiers: ClinVar variation 95484 (VCV000095484.70), dbSNP rs145904995, ClinGen allele CA302680.

ClinVar aggregate classification (germline): Benign/Likely benign. Review status: criteria provided, multiple submitters, no conflicts (2 of 4 stars). 12 submissions from 12 submitters: Benign (8); Likely benign (2). 2 of the submissions do not count toward it. Last evaluated 2026-09-01.

Conditions:
Charcot-Marie-Tooth disease type 2B2 (CMT2B2). Also called: Charcot-Marie-Tooth Neuropathy Type 2B2; CHARCOT-MARIE-TOOTH DISEASE, AXONAL, AUTOSOMAL RECESSIVE, TYPE 2B2; CHARCOT-MARIE-TOOTH DISEASE, AXONAL, TYPE 2B2; CHARCOT-MARIE-TOOTH DISEASE, NEURONAL, TYPE 2B2. Identifiers: Orphanet 101101, MedGen C1854150, MONDO:0011570, OMIM 605589.
Ataxia - oculomotor apraxia type 4. Identifiers: Orphanet 459033, MedGen C4225397, MONDO:0014557, OMIM 616267.
Microcephaly, seizures, and developmental delay. Identifiers: Orphanet 1934, MedGen C3150667, MONDO:0013254, OMIM 613402.
Inborn genetic diseases. Identifiers: MedGen C0950123, MeSH D030342.
Developmental and epileptic encephalopathy, 12 (DEE12). Identifiers: MedGen C3150988, MONDO:0013389, OMIM 613722.

Allele frequency attached by ClinVar (database versions not stated): gnomAD 0.00205 and 0.00242; ESP Exome Variant Server 0.00223; TOPMed 0.00232; 1000 Genomes Project 0.00319; 1000 Genomes Project 30x 0.00375; ExAC 0.00412; gnomAD exomes 0.00438.
gnomAD v4.1: 4,797 of 1,614,146 alleles (0.3%); highest among the groups gnomAD compares: Middle Eastern, 1.4%; 61 homozygotes.

Submissions (12):

CeGaT Center for Human Genetics Tuebingen
Classification: Benign. Last evaluated: 2026-09-01. Review status: criteria provided, single submitter. Criteria: CeGaT Center For Human Genetics Tuebingen Variant Classification Criteria Version 2. Collection method: clinical testing. Allele origin: germline. Affected: yes. Observed: 20 variant alleles.
Comment: PNKP: BS1, BS2

Labcorp Genetics (formerly Invitae), Labcorp
Classification: Benign for Developmental and epileptic encephalopathy, 12. Last evaluated: 2026-01-26. Review status: criteria provided, single submitter. Criteria: Invitae Variant Classification Sherloc (09022015). Collection method: clinical testing. Allele origin: germline.

Athena Diagnostics
Classification: Benign. Last evaluated: 2024-10-31. Review status: criteria provided, single submitter. Criteria: Athena Diagnostics Criteria. Collection method: clinical testing. Allele origin: unknown.

Mayo Clinic Laboratories, Mayo Clinic
Classification: Benign. Last evaluated: 2022-06-03. Review status: criteria provided, single submitter. Criteria: ACMG Guidelines, 2015. Collection method: clinical testing. Allele origin: germline. Observed: 15 variant alleles.
Comment: BS1, BS2

Fulgent Genetics
Classification: Benign for Charcot-Marie-Tooth disease type 2B2; Microcephaly, seizures, and developmental delay; Ataxia - oculomotor apraxia type 4. Last evaluated: 2021-07-24. Review status: criteria provided, single submitter. Criteria: ACMG Guidelines, 2015. Collection method: clinical testing. Allele origin: unknown.

Illumina Laboratory Services, Illumina
Classification: Benign for Microcephaly, seizures, and developmental delay. Last evaluated: 2018-01-12. Review status: criteria provided, single submitter. Criteria: ICSL Variant Classification Criteria 13 December 2019. Collection method: clinical testing. Allele origin: germline.
Comment: This variant was observed in the ICSL laboratory as part of a predisposition screen in an ostensibly healthy population. It had not been previously curated by ICSL or reported in the Human Gene Mutation Database (HGMD: prior to June 1st, 2018), and was therefore a candidate for classification through an automated scoring system. Utilizing variant allele frequency, disease prevalence and penetrance estimates, and inheritance mode, an automated score was calculated to assess if this variant is too frequent to cause the disease. Based on the score and internal cut-off values, a variant classified as benign is not then subjected to further curation. The score for this variant resulted in a classification of benign for this disease.

Ambry Genetics
Classification: Likely benign for Inborn genetic diseases. Last evaluated: 2016-06-18. Review status: criteria provided, single submitter. Criteria: Ambry Variant Classification Scheme 2023. Collection method: clinical testing. Allele origin: germline.

Genetic Services Laboratory, University of Chicago
Classification: Likely benign. Last evaluated: 2015-05-15. Review status: criteria provided, single submitter. Criteria: ACMG Guidelines, 2015. Collection method: clinical testing. Allele origin: germline.

Eurofins Ntd Llc (ga)
Classification: Benign. Last evaluated: 2015-05-05. Review status: criteria provided, single submitter. Criteria: EGL Classification Definitions 2015. Collection method: clinical testing. Allele origin: germline. Observed: 3 variant alleles, 3 heterozygotes.

GeneDx
Classification: Benign. Last evaluated: 2013-09-30. Review status: criteria provided, single submitter. Criteria: GeneDx Variant Classification (06012015). Collection method: clinical testing. Allele origin: germline. Affected: yes.
Comment: This variant is considered likely benign or benign based on one or more of the following criteria: it is a conservative change, it occurs at a poorly conserved position in the protein, it is predicted to be benign by multiple in silico algorithms, and/or has population frequency not consistent with disease.

Clinical Genetics DNA and cytogenetics Diagnostics Lab, Erasmus MC, Erasmus Medical Center
Classification: Benign. Review status: no assertion criteria provided. Collection method: clinical testing. Allele origin: germline. Affected: yes. Study: VKGL Data-share Consensus. Not counted in ClinVar's aggregate classification.

Genome Diagnostics Laboratory, University Medical Center Utrecht
Classification: Likely benign. Review status: no assertion criteria provided. Collection method: clinical testing. Allele origin: germline. Affected: yes. Study: VKGL Data-share Consensus. Not counted in ClinVar's aggregate classification.